The following is an entry in ClinVar:

ClinVar aggregate classification (germline): Uncertain significance. Review status: criteria provided, multiple submitters, no conflicts (2 of 4 stars). 2 submissions from 2 submitters: Uncertain significance (2). Last evaluated 2024-10-07.

gnomAD v4.1: 27 of 700,308 alleles (0.0039%); highest among the groups gnomAD compares: Non-Finnish European, 0.0068%; no homozygotes.

Submissions (2):

Labcorp Genetics (formerly Invitae), Labcorp
Classification: Uncertain significance. Last evaluated: 2024-10-07. Review status: criteria provided, single submitter. Criteria: Invitae Variant Classification Sherloc (09022015). Collection method: clinical testing. Allele origin: germline.
Comment: This variant occurs in the RNU4ATAC gene, which encodes an RNA molecule that does not result in a protein product. This variant is present in population databases (no rsID available, gnomAD 0.01%). This variant has not been reported in the literature in individuals affected with RNU4ATAC-related conditions. In summary, the available evidence is currently insufficient to determine the role of this variant in disease. Therefore, it has been classified as a Variant of Uncertain Significance.

Blueprint Genetics
Classification: Uncertain significance. Last evaluated: 2024-01-12. Review status: criteria provided, single submitter. Criteria: ACMG Guidelines, 2015. Collection method: clinical testing. Allele origin: germline.

NC_000002.12:g.121530955C>G

Genes: CLASP1 (cytoplasmic linker associated protein 1; minus strand), CLASP1-AS1 (CLASP1 antisense RNA 1; plus strand), RNU4ATAC (RNA, U4atac small nuclear; plus strand). Cytogenetic location: 2q14.2.
Variant type: single nucleotide variant.
Molecular consequence: intron variant (on NM_001395891.1).
Genome position: GRCh38 VCF-style: chr2-121530955-C-G. GRCh37 (hg19) VCF-style: chr2-122288531-C-G.
Other names: c.196-630G>C (NM_001142274.2, NM_015282.3, NM_001378003.1 and 5 more transcripts).
Identifiers: ClinVar variation 3020809 (VCV003020809.4), dbSNP rs983845260, ClinGen allele CA428888043.